The following is an entry in ClinVar:

NM_005188.4(CBL):c.1818T>A (p.Ser606Arg)

Gene: CBL (Cbl proto-oncogene; plus strand). Cytogenetic location: 11q23.3.
Variant type: single nucleotide variant.
Coding change: c.1818T>A on transcript NM_005188.4 (MANE Select); coding-DNA position 1818, T replaced by A.
Protein change: p.Ser606Arg; replaces serine 606 with arginine.
Molecular consequence: missense variant.
Genome position (GRCh38, 1-based): chr11:119,285,443, T>A. VCF-style: chr11-119285443-T-A. GRCh37 (hg19) VCF-style: chr11-119156153-T-A.
Other names: c.1818T>A (NM_005188.2); short protein forms S606R.
Identifiers: ClinVar variation 2040399 (VCV002040399.7), dbSNP rs760490210, ClinGen allele CA6318611.

ClinVar aggregate classification (germline): Uncertain significance. Review status: criteria provided, multiple submitters, no conflicts (2 of 4 stars). 4 submissions from 4 submitters: Uncertain significance (4). Last evaluated 2026-08-17.

Conditions:
Cardiovascular phenotype. Identifiers: MedGen CN230736.
CBL-related disorder. Also called: NOONAN SYNDROME-LIKE DISORDER WITHOUT JUVENILE MYELOMONOCYTIC LEUKEMIA; CBL MUTATION-ASSOCIATED SYNDROME; CBL SYNDROME. Identifiers: Orphanet 363972, MedGen C3150803, MONDO:0013308, OMIM 613563.
RASopathy. Also called: rasopathies; Noonan spectrum disorder. Identifiers: Orphanet 536391, MedGen C5555857, MONDO:0021060.

Allele frequency attached by ClinVar (database versions not stated): ExAC 0.00001; TOPMed 0.00002; gnomAD 0.00004.
gnomAD v4.1: 6 of 1,614,058 alleles (0.00037%); highest among the groups gnomAD compares: African/African-American, 0.008%; no homozygotes.

Submissions (4):

PreventionGenetics, part of Exact Sciences
Classification: Uncertain significance for CBL-related condition. Last evaluated: 2026-08-17. Review status: criteria provided, single submitter. Criteria: ACMG Guidelines, 2015. Collection method: clinical testing. Allele origin: germline.
Comment: The CBL c.1818T>A variant is predicted to result in the amino acid substitution p.Ser606Arg. To our knowledge, this variant has not been reported in the literature. This variant is reported in 0.0080% of alleles in individuals of African descent in gnomAD. At this time, the clinical significance of this variant is uncertain due to the absence of conclusive functional and genetic evidence.

Labcorp Genetics (formerly Invitae), Labcorp
Classification: Uncertain significance for RASopathy. Last evaluated: 2026-01-24. Review status: criteria provided, single submitter. Criteria: Invitae Variant Classification Sherloc (09022015). Collection method: clinical testing. Allele origin: germline.
Comment: This sequence change replaces serine, which is neutral and polar, with arginine, which is basic and polar, at codon 606 of the CBL protein (p.Ser606Arg). This variant is present in population databases (rs760490210, gnomAD 0.008%). This variant has not been reported in the literature in individuals affected with CBL-related conditions. ClinVar contains an entry for this variant (Variation ID: 2040399). Invitae Evidence Modeling of protein sequence and biophysical properties (such as structural, functional, and spatial information, amino acid conservation, physicochemical variation, residue mobility, and thermodynamic stability) indicates that this missense variant is not expected to disrupt CBL protein function with a negative predictive value of 95%. In summary, the available evidence is currently insufficient to determine the role of this variant in disease. Therefore, it has been classified as a Variant of Uncertain Significance.

Ambry Genetics
Classification: Uncertain significance for Cardiovascular phenotype. Last evaluated: 2024-12-02. Review status: criteria provided, single submitter. Criteria: Ambry Variant Classification Scheme 2023. Collection method: clinical testing. Allele origin: germline.
Comment: The p.S606R variant (also known as c.1818T>A), located in coding exon 11 of the CBL gene, results from a T to A substitution at nucleotide position 1818. The serine at codon 606 is replaced by arginine, an amino acid with dissimilar properties. This amino acid position is conserved. In addition, this alteration is predicted to be tolerated by in silico analysis. Based on the available evidence, the clinical significance of this variant remains unclear.

Women's Health and Genetics/Laboratory Corporation of America, LabCorp
Classification: Uncertain significance. Last evaluated: 2024-11-20. Review status: criteria provided, single submitter. Criteria: LabCorp Variant Classification Summary - May 2015. Collection method: clinical testing. Allele origin: germline.
Comment: Variant summary: CBL c.1818T>A (p.Ser606Arg) results in a non-conservative amino acid change in the encoded protein sequence. Three of five in-silico tools predict a benign effect of the variant on protein function. The frequency data for this variant in gnomAD is considered unreliable, as metrics indicate poor data quality at this position. To our knowledge, no occurrence of c.1818T>A in individuals affected with Noonan Syndrome And Related Conditions and no experimental evidence demonstrating its impact on protein function have been reported. ClinVar contains an entry for this variant (Variation ID: 2040399). Based on the evidence outlined above, the variant was classified as uncertain significance.